The following is an entry in ClinVar:

ClinVar aggregate classification (germline): Conflicting classifications of pathogenicity. Review status: criteria provided, conflicting classifications (1 of 4 stars). 2 submissions from 2 submitters: Uncertain significance (1); Likely benign (1). Last evaluated 2024-12-03.

Allele frequency attached by ClinVar (database versions not stated): gnomAD 0.00002; TOPMed 0.00002; gnomAD exomes 0.00004.
gnomAD v4.1: 58 of 1,613,654 alleles (0.0036%); highest among the groups gnomAD compares: African/African-American, 0.0067%; no homozygotes.

Submissions (2):

Ambry Genetics
Classification: Uncertain significance. Last evaluated: 2024-12-03. Review status: criteria provided, single submitter. Criteria: Ambry Variant Classification Scheme 2023. Collection method: clinical testing. Allele origin: germline.

CeGaT Center for Human Genetics Tuebingen
Classification: Likely benign. Last evaluated: 2022-11-01. Review status: criteria provided, single submitter. Criteria: CeGaT Center For Human Genetics Tuebingen Variant Classification Criteria Version 2. Collection method: clinical testing. Allele origin: germline. Affected: yes. Observed: 1 variant allele.
Comment: TNC: BP4

NM_002160.4(TNC):c.5506G>A (p.Glu1836Lys)

Gene: TNC (tenascin C; minus strand). Cytogenetic location: 9q33.1.
Variant type: single nucleotide variant.
Coding change: c.5506G>A on transcript NM_002160.4 (MANE Select); coding-DNA position 5506, G replaced by A.
Protein change: p.Glu1836Lys; replaces glutamic acid 1836 with lysine.
Molecular consequence: missense variant.
Genome position (GRCh38, 1-based): chr9:115,038,267, C>T on the plus strand (G>A on the coding strand, the complement: TNC is on the minus strand). VCF-style: chr9-115038267-C-T. GRCh37 (hg19) VCF-style: chr9-117800546-C-T.
Other names: c.5506G>A (NM_002160.3); c.4960G>A, p.Glu1654Lys (NM_001410991.1); short protein forms E1654K, E1836K.
Identifiers: ClinVar variation 2659453 (VCV002659453.25), dbSNP rs774393174, ClinGen allele CA198683941.